The following is an entry in ClinVar:

NM_000081.4(LYST):c.8571T>G (p.Asn2857Lys)

Gene: LYST (lysosomal trafficking regulator; minus strand). Cytogenetic location: 1q42.3.
Variant type: single nucleotide variant.
Coding change: c.8571T>G on transcript NM_000081.4 (MANE Select); coding-DNA position 8571, T replaced by G.
Protein change: p.Asn2857Lys; replaces asparagine 2857 with lysine.
Molecular consequence: missense variant.
Genome position (GRCh38, 1-based): chr1:235,733,871, A>C on the plus strand (T>G on the coding strand, the complement: LYST is on the minus strand). VCF-style: chr1-235733871-A-C. GRCh37 (hg19) VCF-style: chr1-235897171-A-C.
Other names: c.8571T>G, p.Asn2857Lys (NM_001301365.1); short protein forms N2857K.
Identifiers: ClinVar variation 565944 (VCV000565944.3), dbSNP rs1432295159, ClinGen allele CA344920694.

ClinVar aggregate classification (germline): Uncertain significance (1 of 4 stars; one submission).

Conditions:
Chédiak-Higashi syndrome (CHS). Also called: Chediak-Higashi Syndrome. Identifiers: Orphanet 167, MedGen C0007965, MONDO:0008963, OMIM 214500.

Allele frequency attached by ClinVar (database versions not stated): gnomAD 0.00001; TOPMed 0.00001.
gnomAD v4.1: 3 of 1,600,076 alleles (0.00019%); highest among the groups gnomAD compares: Non-Finnish European, 0.00026%; no homozygotes.

Submission:

Labcorp Genetics (formerly Invitae), Labcorp
Classification: Uncertain significance for Chédiak-Higashi syndrome. Last evaluated: 2022-04-05. Review status: criteria provided, single submitter. Criteria: Invitae Variant Classification Sherloc (09022015). Collection method: clinical testing. Allele origin: germline.
Comment: This sequence change replaces asparagine, which is neutral and polar, with lysine, which is basic and polar, at codon 2857 of the LYST protein (p.Asn2857Lys). This variant is present in population databases (no rsID available, gnomAD 0.0009%). This variant has not been reported in the literature in individuals affected with LYST-related conditions. ClinVar contains an entry for this variant (Variation ID: 565944). Algorithms developed to predict the effect of missense changes on protein structure and function (SIFT, PolyPhen-2, Align-GVGD) all suggest that this variant is likely to be tolerated. In summary, the available evidence is currently insufficient to determine the role of this variant in disease. Therefore, it has been classified as a Variant of Uncertain Significance.